The following is an entry in ClinVar:

ClinVar aggregate classification (germline): Pathogenic. Review status: criteria provided, multiple submitters, no conflicts (2 of 4 stars). 3 submissions from 3 submitters: Pathogenic (2). 1 of the submissions does not count toward it. Last evaluated 2026-03-18.

Conditions:
Menkes kinky-hair syndrome (MNK). Also called: Copper transport disease; Menkes Disease; Classic Menkes Disease. Identifiers: Orphanet 565, MedGen C0022716, MONDO:0010651, OMIM 309400.
Cutis laxa, X-linked (OHS). Also called: EDS IX; Occipital horn syndrome. Identifiers: Orphanet 198, MedGen C0268353, MONDO:0010572, OMIM 304150.
X-linked distal spinal muscular atrophy type 3. Also called: SPINAL MUSCULAR ATROPHY, DISTAL, X-LINKED RECESSIVE; NEURONOPATHY, DISTAL HEREDITARY MOTOR, X-LINKED; NEUROPATHY, DISTAL HEREDITARY MOTOR, X-LINKED; ATP7A-Related Distal Motor Neuropathy. Identifiers: Orphanet 139557, MedGen C1845359, MONDO:0010338, OMIM 300489.

Submissions (3):

Women's Health and Genetics/Laboratory Corporation of America, LabCorp
Classification: Pathogenic for Menkes kinky-hair syndrome. Last evaluated: 2026-03-18. Review status: criteria provided, single submitter. Criteria: LabCorp Variant Classification Summary - May 2015. Collection method: clinical testing. Allele origin: germline.
Comment: Variant summary: ATP7A c.3111G>T (p.Lys1037Asn) results in a non-conservative amino acid change in the encoded protein sequence. Algorithms developed to predict the effect of missense changes on protein structure and function all suggest that this variant is likely to be disruptive. Several computational tools predict a significant impact on normal splicing: Two predict the variant weakens a 5' donor site. One predicts the variant abolishes a 5' splicing donor site. One predicts the variant no significant impact on splicing. At least one publication reports experimental evidence that this variant affects mRNA splicing in patient fibroblasts, resulting in skipping of exon 15 (in frame) (example, Skjorringe_2017). The variant was absent in 182657 control chromosomes. c.3111G>T has been observed in the presumed hemizygous state in at least 2 individual(s) affected with clinical features of Menkes kinky-hair syndrome (example, Kaler_2010, Skjorringe_2011). These data indicate that the variant may be associated with disease. At least one publication reports experimental evidence evaluating an impact on protein function. The most pronounced variant effect results in absence of detectable ATP7A protein in patient fibroblasts (example, Skjorringe_2017). The following publications have been ascertained in the context of this evaluation (PMID: 16278898, 25281031, 21494555, 23281160, 28389643, 32293788, 20652413, 20497190, 8526465, 21716286, 36692329). ClinVar contains an entry for this variant (Variation ID: 2571427). Based on the evidence outlined above, the variant was classified as pathogenic.

Labcorp Genetics (formerly Invitae), Labcorp
Classification: Pathogenic for X-linked distal spinal muscular atrophy type 3; Cutis laxa, X-linked; Menkes kinky-hair syndrome. Last evaluated: 2024-12-02. Review status: criteria provided, single submitter. Criteria: Invitae Variant Classification Sherloc (09022015). Collection method: clinical testing. Allele origin: germline.
Comment: This sequence change replaces lysine, which is basic and polar, with asparagine, which is neutral and polar, at codon 1037 of the ATP7A protein (p.Lys1037Asn). RNA analysis indicates that this missense change induces altered splicing and likely results in a shortened protein product. This variant is not present in population databases (gnomAD no frequency). This missense change has been observed in individual(s) with ATP7A-related conditions (PMID: 20652413, 21494555). ClinVar contains an entry for this variant (Variation ID: 2571427). An algorithm developed to predict the effect of missense changes on protein structure and function (PolyPhen-2) suggests that this variant is likely to be disruptive. Studies have shown that this missense change alters ATP7A gene expression (PMID: 28389643). Variants that disrupt the consensus splice site are a relatively common cause of aberrant splicing (PMID: 17576681, 9536098). Studies have shown that this missense change results in skipping of exon 15, but is expected to preserve the integrity of the reading-frame (PMID: 28389643). This variant disrupts a region of the ATP7A protein in which other variant(s) (p.Pro1001Leu) have been determined to be pathogenic (PMID: 20799318). This suggests that this is a clinically significant region of the protein, and that variants that disrupt it are likely to be disease-causing. For these reasons, this variant has been classified as Pathogenic.

Inherited Neuropathy Consortium Ii, University Of Miami
Classification: Uncertain significance for Menkes kinky-hair syndrome. Last evaluated: 2016-01-06. Review status: no assertion criteria provided. Collection method: literature only. Allele origin: germline. Affected: yes. Not counted in ClinVar's aggregate classification.

Literature cited by the submitters: PubMed 28389643 (cited by Women's Health and Genetics/Laboratory Corporation of America, LabCorp and Labcorp Genetics (formerly Invitae), Labcorp); PubMed 25281031 (cited by Women's Health and Genetics/Laboratory Corporation of America, LabCorp); PubMed 21716286 (cited by Women's Health and Genetics/Laboratory Corporation of America, LabCorp); PubMed 36692329 (cited by Women's Health and Genetics/Laboratory Corporation of America, LabCorp); PubMed 20497190 (cited by Women's Health and Genetics/Laboratory Corporation of America, LabCorp); PubMed 32293788 (cited by Women's Health and Genetics/Laboratory Corporation of America, LabCorp); PubMed 23281160 (cited by Women's Health and Genetics/Laboratory Corporation of America, LabCorp); PubMed 8526465 (cited by Women's Health and Genetics/Laboratory Corporation of America, LabCorp); PubMed 16278898 (cited by Women's Health and Genetics/Laboratory Corporation of America, LabCorp); PubMed 20652413 (cited by Women's Health and Genetics/Laboratory Corporation of America, LabCorp and Labcorp Genetics (formerly Invitae), Labcorp); PubMed 21494555 (cited by Women's Health and Genetics/Laboratory Corporation of America, LabCorp and Labcorp Genetics (formerly Invitae), Labcorp); PubMed 17576681 (cited by Labcorp Genetics (formerly Invitae), Labcorp); PubMed 9536098 (cited by Labcorp Genetics (formerly Invitae), Labcorp); PubMed 20799318 (cited by Labcorp Genetics (formerly Invitae), Labcorp); PubMed 8981948 (cited by Inherited Neuropathy Consortium Ii, University Of Miami).

NM_000052.7(ATP7A):c.3111G>T (p.Lys1037Asn)

Gene: ATP7A (ATPase copper transporting alpha; plus strand). Cytogenetic location: Xq21.1.
Variant type: single nucleotide variant.
Coding change: c.3111G>T on transcript NM_000052.7 (MANE Select); coding-DNA position 3111, G replaced by T.
Protein change: p.Lys1037Asn; replaces lysine 1037 with asparagine.
Molecular consequence: missense variant.
Genome position (GRCh38, 1-based): chrX:78,029,444, G>T. VCF-style: chrX-78029444-G-T. GRCh37 (hg19) VCF-style: chrX-77284941-G-T.
Other names: c.2877G>T, p.Lys959Asn (NM_001282224.2); short protein forms K1037N, K959N.
Identifiers: ClinVar variation 2571427 (VCV002571427.5), dbSNP rs2522392716, ClinGen allele CA413603413.
Genomic context (GRCh38, chrX:78,029,444, plus strand): 5'-AGTAGGTGCTCAAAATGGCATACTAATAAAAGGTGGAGAGCCATTGGAGATGGCTCATAA[G>T]GTAAGACAGTCCCCAGAACTAAAACCTGTACCACCAAACTATCAATAGCACCCCTCACAT-3'
Protein context (NP_000043.4, residues 1027-1047): KGGEPLEMAH[Lys1037Asn]VKVVVFDKTG